The following is an entry in ClinVar:

ClinVar aggregate classification (germline): Conflicting classifications of pathogenicity. Review status: criteria provided, conflicting classifications (1 of 4 stars). 2 submissions from 2 submitters: Uncertain significance (1); Benign (1). Last evaluated 2025-08-20.

Conditions:
Hereditary cancer-predisposing syndrome. Also called: Neoplastic Syndromes, Hereditary; Tumor predisposition; Hereditary neoplastic syndrome; Hereditary Cancer Syndrome. Identifiers: Orphanet 140162, MedGen C0027672, MeSH D009386, MONDO:0015356.
Melanoma-pancreatic cancer syndrome. Identifiers: Orphanet 404560, MedGen C1838547, MONDO:0011713, OMIM 606719. Disease mechanism: loss of function.

Submissions (2):

Myriad Genetics, Inc.
Classification: Benign for Melanoma-pancreatic cancer syndrome. Last evaluated: 2025-08-20. Review status: criteria provided, single submitter. Criteria: Myriad Autosomal Dominant, Autosomal Recessive and X-Linked Classification Criteria (2023). Collection method: clinical testing. Allele origin: unknown.
Comment: This variant is considered benign. This variant occurs in the non-coding 3' untranslated region of the gene, and is not expected to impact protein function.

Color Diagnostics, LLC DBA Color Health
Classification: Uncertain significance for Hereditary cancer-predisposing syndrome. Last evaluated: 2024-01-05. Review status: criteria provided, single submitter. Criteria: ACMG Guidelines, 2015. Collection method: clinical testing. Allele origin: germline.
Comment: The CDKN2A locus encodes two different gene products, p16INK4a and p14ARF. This variant is located 2 nucleotides downstream of the termination codon in the 3'UTR of the CDKN2A (p16INK4A) gene. To our knowledge, functional studies have not been reported for this variant. This variant has not been reported in individuals affected with hereditary cancer in the literature. This variant has not been identified in the general population by the Genome Aggregation Database (gnomAD). The available evidence is insufficient to determine the role of this variant in disease conclusively. Therefore, this variant is classified as a Variant of Uncertain Significance.

NM_000077.5(CDKN2A):c.*2dup (p.Ter157=)

Gene: CDKN2A (cyclin dependent kinase inhibitor 2A; minus strand). Cytogenetic location: 9p21.3.
Variant type: Duplication.
Coding change: c.*2dup on transcript NM_000077.5; 2 bases downstream of the stop codon, one base duplicated (A; older notation c.*2dupA).
Protein change: p.Ter157=.
Molecular consequence: frameshift variant (on NM_000077.4). On other transcripts: 3 prime UTR variant (3), no sequence alteration (1).
Genome position (GRCh38, 1-based): chr9:21,968,227, T duplicated on the plus strand (A on the coding strand, the reverse complement: CDKN2A is on the minus strand); the first of 3 consecutive T bases (chr9:21,968,227-21,968,229); duplicating any one gives the same sequence. VCF-style (leftmost placement, unchanged base first): chr9-21968226-C-CT. GRCh37 (hg19) VCF-style: chr9-21968225-C-CT.
Other names: c.*2dup (NM_000077.4); c.471dup, p.Ter157= (NM_000077.6); c.*166dup (NM_001195132.2); c.*2dup, p.Ter106= (NM_001363763.2); c.*117dup (NM_058195.4); c.*396dup (NM_058197.5).
Identifiers: ClinVar variation 1332047 (VCV001332047.5), dbSNP rs1327025508, ClinGen allele CA862193678.